The following is an entry in ClinVar:

ClinVar aggregate classification (germline): Pathogenic (1 of 4 stars; one submission).

Conditions:
Hereditary breast ovarian cancer syndrome. Also called: Hereditary breast and ovarian cancer syndrome (HBOC); Hereditary breast and/or ovarian cancer syndrome; Hereditary breast and ovarian cancer syndrome; BRCA1- and BRCA2-Associated Hereditary Breast and Ovarian Cancer; Hereditary breast and ovarian cancer; Breast and ovarian cancer. Identifiers: Orphanet 145, MedGen C0677776, MeSH D061325, MONDO:0003582. Disease mechanism: loss of function.

Submission:

Labcorp Genetics (formerly Invitae), Labcorp
Classification: Pathogenic for Hereditary breast ovarian cancer syndrome. Last evaluated: 2024-08-10. Review status: criteria provided, single submitter. Criteria: Invitae Variant Classification Sherloc (09022015). Collection method: clinical testing. Allele origin: germline.
Comment: This sequence change creates a premature translational stop signal (p.Val2102Tyrfs*17) in the BRCA2 gene. It is expected to result in an absent or disrupted protein product. Loss-of-function variants in BRCA2 are known to be pathogenic (PMID: 20104584). This variant is not present in population databases (gnomAD no frequency). This premature translational stop signal has been observed in individual(s) with breast and/or ovarian cancer (PMID: 29752822, 30702160). For these reasons, this variant has been classified as Pathogenic.

Literature cited by the submitters: PubMed 20104584; PubMed 29752822; PubMed 30702160.

NM_000059.4(BRCA2):c.6304del (p.Val2102fs)

Gene: BRCA2 (BRCA2 DNA repair associated; plus strand). Cytogenetic location: 13q13.1.
Variant type: Deletion.
Coding change: c.6304del on transcript NM_000059.4 (MANE Select); coding-DNA position 6304, one base deleted (G; older notation c.6304delG).
Protein change: p.Val2102fs; shifts the reading frame from valine 2102.
Molecular consequence: frameshift variant.
Genome position (GRCh38, 1-based): chr13:32,340,659, G deleted. VCF-style (leftmost placement, unchanged base first): chr13-32340658-TG-T. GRCh37 (hg19) VCF-style: chr13-32914795-TG-T.
Other names: short protein forms V2102fs.
Identifiers: ClinVar variation 3730279 (VCV003730279.2).